The following is an entry in ClinVar:

ClinVar aggregate classification (germline): Conflicting classifications of pathogenicity. Review status: criteria provided, conflicting classifications (1 of 4 stars). 7 submissions from 7 submitters: Uncertain significance (5); Likely benign (2). Last evaluated 2026-04-22.

Conditions:
PKHD1-related disorder. Also called: PKHD1-related condition.
Polycystic kidney disease 4 (PKD4). Also called: POLYCYSTIC KIDNEY AND HEPATIC DISEASE 1; POLYCYSTIC KIDNEY DISEASE, INFANTILE, TYPE I; PKD3; POLYCYSTIC KIDNEY DISEASE 4 WITH OR WITHOUT POLYCYSTIC LIVER DISEASE; Autosomal Recessive Polycystic Kidney Disease – PKHD1. Identifiers: MedGen C4540575, MONDO:0033004, OMIM 263200.
Autosomal recessive polycystic kidney disease (ARPKD). Also called: AR polycystic kidney disease. Identifiers: Orphanet 731, Orphanet 8378, MedGen C0085548, MeSH D017044, MONDO:0009889.

Allele frequency attached by ClinVar (database versions not stated): gnomAD 0.00024 and 0.00087; 1000 Genomes Project 30x 0.00031; 1000 Genomes Project 0.00040; TOPMed 0.00141.
gnomAD v4.1: 450 of 1,614,162 alleles (0.028%); highest among the groups gnomAD compares: Admixed American, 0.057%; 2 homozygotes.

Submissions (7):

PreventionGenetics, part of Exact Sciences
Classification: Uncertain significance for PKHD1-related condition. Last evaluated: 2026-04-22. Review status: criteria provided, single submitter. Criteria: ACMG Guidelines, 2015. Collection method: clinical testing. Allele origin: germline.
Comment: The PKHD1 c.2255C>T variant is predicted to result in the amino acid substitution p.Thr752Met. To our knowledge, this variant has not been reported in the literature in individuals with PKHD1-related disorders. This variant is reported in 0.034% of alleles in individuals of Latino descent in gnomAD. At this time, the clinical significance of this variant is uncertain due to the absence of conclusive functional and genetic evidence.

Labcorp Genetics (formerly Invitae), Labcorp
Classification: Likely benign for Autosomal recessive polycystic kidney disease. Last evaluated: 2026-01-25. Review status: criteria provided, single submitter. Criteria: Invitae Variant Classification Sherloc (09022015). Collection method: clinical testing. Allele origin: germline.

GeneDx
Classification: Uncertain significance. Last evaluated: 2024-06-20. Review status: criteria provided, single submitter. Criteria: GeneDx Variant Classification Process June 2021. Collection method: clinical testing. Allele origin: germline. Affected: yes.
Comment: In silico analysis supports that this missense variant does not alter protein structure/function; Has not been previously published as pathogenic or benign to our knowledge; This variant is associated with the following publications: (PMID: 11919560, 15108277)

Fulgent Genetics
Classification: Likely benign for Polycystic kidney disease 4. Last evaluated: 2024-03-20. Review status: criteria provided, single submitter. Criteria: ACMG Guidelines, 2015. Collection method: clinical testing. Allele origin: germline.

Department of Pathology and Laboratory Medicine, Sinai Health System
Classification: Uncertain significance for Polycystic kidney disease 4. Last evaluated: 2022-01-18. Review status: criteria provided, single submitter. Criteria: ACMG Guidelines, 2015. Collection method: research. Allele origin: germline.

Illumina Laboratory Services, Illumina
Classification: Uncertain significance for Polycystic kidney disease 4. Last evaluated: 2017-10-02. Review status: criteria provided, single submitter. Criteria: ICSL Variant Classification Criteria 13 December 2019. Collection method: clinical testing. Allele origin: germline.
Comment: This variant was observed as part of a predisposition screen in an ostensibly healthy population. A literature search was performed for the gene, cDNA change, and amino acid change (where applicable). Publications were found based on this search. However, the evidence from the literature, in combination with allele frequency data from public databases where available, was not sufficient to rule this variant in or out of causing disease. Therefore, this variant is classified as a variant of unknown significance.

Eurofins Ntd Llc (ga)
Classification: Uncertain significance. Last evaluated: 2017-08-15. Review status: criteria provided, single submitter. Criteria: EGL Classification Definitions 2015. Collection method: clinical testing. Allele origin: germline. Observed: 2 variant alleles, 2 heterozygotes.

Literature cited by the submitters: PubMed 15108277 (cited by Illumina Laboratory Services, Illumina).

NM_138694.4(PKHD1):c.2255C>T (p.Thr752Met)

Gene: PKHD1 (PKHD1 ciliary IPT domain containing fibrocystin/polyductin; minus strand). Cytogenetic location: 6p12.2.
Variant type: single nucleotide variant.
Coding change: c.2255C>T on transcript NM_138694.4 (MANE Select); coding-DNA position 2255, C replaced by T.
Protein change: p.Thr752Met; replaces threonine 752 with methionine.
Molecular consequence: missense variant.
Genome position (GRCh38, 1-based): chr6:52,050,181, G>A on the plus strand (C>T on the coding strand, the complement: PKHD1 is on the minus strand). VCF-style: chr6-52050181-G-A. GRCh37 (hg19) VCF-style: chr6-51914979-G-A.
Other names: c.2255C>T, p.Thr752Met (NM_170724.3); short protein forms T752M.
Identifiers: ClinVar variation 498544 (VCV000498544.22), dbSNP rs200654041, ClinGen allele CA3853294.
Genomic context (GRCh38, chr6:52,050,181, plus strand): 5'-AGGAGAAGGGACAGGTGTAAAAAAGCCACTCCTTACCGTGCAGTGATGAGCGGGAGCTCC[G>A]TGCCACACCCCGCCAGCCAGGAGGTGACACTGTAGACCGGAGGGGATCCCACCACAGAGA-3'
Protein context (NP_619639.3, residues 742-762): SVTSWLAGCG[Thr752Met]ELPLITARSV